The following is an entry in ClinVar:

ClinVar aggregate classification (germline): Likely pathogenic (1 of 4 stars; one submission).

Conditions:
Hereditary cancer-predisposing syndrome. Also called: Neoplastic Syndromes, Hereditary; Tumor predisposition; Hereditary Cancer Syndrome; Hereditary neoplastic syndrome. Identifiers: Orphanet 140162, MedGen C0027672, MeSH D009386, MONDO:0015356.

Submission:

Ambry Genetics
Classification: Likely pathogenic for Hereditary cancer-predisposing syndrome. Last evaluated: 2025-12-16. Review status: criteria provided, single submitter. Criteria: Ambry Variant Classification Scheme 2023. Collection method: clinical testing. Allele origin: germline.
Comment: The c.3549G>T variant (also known as p.E1183D), located in coding exon 21 of the PTCH1 gene, results from a G to T substitution at nucleotide position 3549. The amino acid change results in glutamic acid to aspartic acid at codon 1183, an amino acid with highly similar properties. However, this change occurs in the last base pair of coding exon 21, which makes it likely to have some effect on normal mRNA splicing. This nucleotide position is highly conserved in available vertebrate species. In silico splice site analysis predicts that this alteration will weaken the native splice donor site. RNA studies have demonstrated that this alteration results in abnormal splicing in the set of samples tested (Ambry internal data). This variant was reported in individual(s) with features consistent with nevoid basal cell carcinoma syndrome (Ambry internal data). This variant is considered to be rare based on population cohorts in the Genome Aggregation Database (gnomAD). Based on the majority of available evidence to date, this variant is likely to be pathogenic.

NM_000264.5(PTCH1):c.3549G>T (p.Glu1183Asp)

Gene: PTCH1 (patched 1; minus strand). Cytogenetic location: 9q22.32.
Variant type: single nucleotide variant.
Coding change: c.3549G>T on transcript NM_000264.5 (MANE Select); coding-DNA position 3549, G replaced by T.
Protein change: p.Glu1183Asp; replaces glutamic acid 1183 with aspartic acid.
Molecular consequence: missense variant. On other transcripts: non-coding transcript variant (1).
Genome position (GRCh38, 1-based): chr9:95,449,841, C>A on the plus strand (G>T on the coding strand, the complement: PTCH1 is on the minus strand). VCF-style: chr9-95449841-C-A. GRCh37 (hg19) VCF-style: chr9-98212123-C-A.
Other names: c.3351G>T, p.Glu1117Asp (NM_001083602.3); c.3546G>T, p.Glu1182Asp (NM_001083603.3); c.3096G>T, p.Glu1032Asp (NM_001083604.3, NM_001083605.3, NM_001083606.3 and 1 more transcripts); c.3393G>T, p.Glu1131Asp (NM_001354918.2); short protein forms E1032D, E1131D, E1117D, E1182D, E1183D.
Identifiers: ClinVar variation 4842278 (VCV004842278.1).
Genomic context (GRCh38, chr9:95,449,841, plus strand): 5'-GCACAGGAAACACAGCATTCAGCCGGCCTACACGTGGGACATCCCCGTGTCACTACTGAC[C>A]TCAGGATATGGTCCAAAGAAAGACAAAAGCACGGGAAGCAAAACCAGCCCATTGAGAACG-3'
Protein context (NP_000255.2, residues 1173-1193): VLLSFFGPYP[Glu1183Asp]VSPANGLNRL